The following is an entry in ClinVar:

NM_004360.5(CDH1):c.410del (p.Ala137fs)

Gene: CDH1 (cadherin 1; plus strand). Cytogenetic location: 16q22.1.
Variant type: Deletion.
Coding change: c.410del on transcript NM_004360.5 (MANE Select); coding-DNA position 410, one base deleted (C; older notation c.410delC).
Protein change: p.Ala137fs; shifts the reading frame from alanine 137.
Molecular consequence: frameshift variant. On other transcripts: 5 prime UTR variant (2).
Genome position (GRCh38, 1-based): chr16:68,808,446, C deleted. VCF-style (leftmost placement, unchanged base first): chr16-68808445-GC-G. GRCh37 (hg19) VCF-style: chr16-68842348-GC-G.
Other names: c.410del, p.Ala137fs (NM_001317184.2); c.-1206del (NM_001317185.2); c.-1410del (NM_001317186.2); short protein forms A137fs.
Identifiers: ClinVar variation 2028075 (VCV002028075.4), dbSNP rs2543914405, ClinGen allele CA645596598.

ClinVar aggregate classification (germline): Pathogenic (1 of 4 stars; one submission).

Conditions:
Hereditary diffuse gastric adenocarcinoma (HDGC). Also called: DIFFUSE GASTRIC AND LOBULAR BREAST CANCER SYNDROME. Identifiers: Orphanet 26106, MedGen C1708349, MONDO:0007648, OMIM 137215.

Submission:

Labcorp Genetics (formerly Invitae), Labcorp
Classification: Pathogenic for Hereditary diffuse gastric adenocarcinoma. Last evaluated: 2022-08-31. Review status: criteria provided, single submitter. Criteria: Invitae Variant Classification Sherloc (09022015). Collection method: clinical testing. Allele origin: germline.
Comment: For these reasons, this variant has been classified as Pathogenic. This variant has not been reported in the literature in individuals affected with CDH1-related conditions. This variant is not present in population databases (gnomAD no frequency). This sequence change creates a premature translational stop signal (p.Ala137Glufs*78) in the CDH1 gene. It is expected to result in an absent or disrupted protein product. Loss-of-function variants in CDH1 are known to be pathogenic (PMID: 15235021, 20373070).

Literature cited by the submitters: PubMed 15235021; PubMed 20373070.